The following is an entry in ClinVar:

ClinVar aggregate classification (germline): Uncertain significance (1 of 4 stars; one submission).

gnomAD v4.1: 1 of 1,551,448 alleles (0.000064%); highest among the groups gnomAD compares: Non-Finnish European, 0.000087%; no homozygotes.

Submission:

GeneDx
Classification: Uncertain significance. Last evaluated: 2022-04-30. Review status: criteria provided, single submitter. Criteria: GeneDx Variant Classification Process June 2021. Collection method: clinical testing. Allele origin: germline. Affected: yes.
Comment: Not observed at significant frequency in large population cohorts (gnomAD); In silico analysis supports that this missense variant does not alter protein structure/function; Has not been previously published as pathogenic or benign to our knowledge

NM_001353345.2(SETD1B):c.902G>A (p.Ser301Asn)

Gene: SETD1B (SET domain containing 1B, histone lysine methyltransferase; plus strand). Cytogenetic location: 12q24.31.
Variant type: single nucleotide variant.
Coding change: c.902G>A on transcript NM_001353345.2 (MANE Select); coding-DNA position 902, G replaced by A.
Protein change: p.Ser301Asn; replaces serine 301 with asparagine.
Molecular consequence: missense variant.
Genome position (GRCh38, 1-based): chr12:121,809,847, G>A. VCF-style: chr12-121809847-G-A. GRCh37 (hg19) VCF-style: chr12-122247753-G-A.
Other names: short protein forms S301N.
Identifiers: ClinVar variation 1722825 (VCV001722825.2), dbSNP rs1875929579, ClinGen allele CA386990453.